The following is an entry in ClinVar:

NM_000384.3(APOB):c.3712C>A (p.Leu1238Ile)

Gene: APOB (apolipoprotein B; minus strand). Cytogenetic location: 2p24.1.
Variant type: single nucleotide variant.
Coding change: c.3712C>A on transcript NM_000384.3 (MANE Select); coding-DNA position 3712, C replaced by A.
Protein change: p.Leu1238Ile; replaces leucine 1238 with isoleucine.
Molecular consequence: missense variant.
Genome position (GRCh38, 1-based): chr2:21,014,578, G>T on the plus strand (C>A on the coding strand, the complement: APOB is on the minus strand). VCF-style: chr2-21014578-G-T. GRCh37 (hg19) VCF-style: chr2-21237450-G-T.
Other names: p.Leu1238Ile; short protein forms L1238I.
Identifiers: ClinVar variation 334151 (VCV000334151.27), dbSNP rs72653078, ClinGen allele CA059464.
Genomic context (GRCh38, chr2:21,014,578, plus strand): 5'-GGCTATTGAGGTGGTCTTGCAAAGTCTGGGTATAAGGAAGACTCCCAGATGCCTTCTGAA[G>T]CCATGAGCTCATTGCCTACAAAATGACAGGAGATTTTTAAGGTAATGGGCTTGGATGAGC-3'
Protein context (NP_000375.3, residues 1228-1248): SKLIVAMSSW[Leu1238Ile]QKASGSLPYT

ClinVar aggregate classification (germline): Conflicting classifications of pathogenicity. Review status: criteria provided, conflicting classifications (1 of 4 stars). 5 submissions from 5 submitters: Uncertain significance (1); Benign (1); Likely benign (2). 1 of the submissions does not count toward it. Last evaluated 2026-10-13.

Conditions:
Cardiovascular phenotype. Identifiers: MedGen CN230736.
Familial hypobetalipoproteinemia 1. Also called: Hypobetalipoproteinemia, normotriglyceridemic; Acanthocytosis with hypobetalipoproteinemia; APOB-Related Familial Hypobetalipoproteinemia. Identifiers: MedGen C4551990, MONDO:0014252, OMIM 615558.
Hypercholesterolemia, autosomal dominant, type B (FHCL2). Also called: Familial Hypercholesterolemia Type B; HYPERCHOLESTEROLEMIA, FAMILIAL, DUE TO LIGAND-DEFECTIVE APOLIPOPROTEIN B; APOLIPOPROTEIN B-100, FAMILIAL DEFECTIVE; APOLIPOPROTEIN B-100, FAMILIAL LIGAND-DEFECTIVE; Familial hypercholesterolemia 2; APOB-Related Familial Hypercholesterolemia, Autosomal Dominant. Identifiers: MedGen C1704417, MONDO:0007751, OMIM 144010.
APOB-related disorder. Also called: APOB-related condition; APOB-related disorders.

Allele frequency attached by ClinVar (database versions not stated): gnomAD 0.00088 and 0.00091; TOPMed 0.00099; 1000 Genomes Project 0.00100; ExAC 0.00024; ESP Exome Variant Server 0.00092; 1000 Genomes Project 30x 0.00141; gnomAD exomes 0.00009 and 0.00025.
gnomAD v4.1: 270 of 1,614,090 alleles (0.017%); highest among the groups gnomAD compares: African/African-American, 0.32%; no homozygotes.

Submissions (5):

GeneDx
Classification: Uncertain significance. Last evaluated: 2026-10-13. Review status: criteria provided, single submitter. Criteria: GeneDx Variant Classification Process June 2021. Collection method: clinical testing. Allele origin: germline.
Comment: Has not been previously published as pathogenic or benign to our knowledge; In silico analysis suggests that this missense variant does not alter protein structure/function

Labcorp Genetics (formerly Invitae), Labcorp
Classification: Likely benign for Familial hypobetalipoproteinemia 1; Hypercholesterolemia, autosomal dominant, type B. Last evaluated: 2025-12-17. Review status: criteria provided, single submitter. Criteria: Invitae Variant Classification Sherloc (09022015). Collection method: clinical testing. Allele origin: germline.

Mayo Clinic Laboratories, Mayo Clinic
Classification: Likely benign. Last evaluated: 2024-10-16. Review status: criteria provided, single submitter. Criteria: ACMG Guidelines, 2015. Collection method: clinical testing. Allele origin: germline. Observed: 3 variant alleles.
Comment: BS1, BP4

Ambry Genetics
Classification: Benign for Cardiovascular phenotype. Last evaluated: 2024-01-08. Review status: criteria provided, single submitter. Criteria: Ambry Variant Classification Scheme 2023. Collection method: clinical testing. Allele origin: germline.

PreventionGenetics, part of Exact Sciences
Classification: Likely benign for APOB-related condition. Last evaluated: 2024-08-26. Review status: no assertion criteria provided. Collection method: clinical testing. Allele origin: germline. Not counted in ClinVar's aggregate classification.
Comment: This variant is classified as likely benign based on ACMG/AMP sequence variant interpretation guidelines (Richards et al. 2015 PMID: 25741868, with internal and published modifications).